The following is an entry in ClinVar:

NM_032578.4(MYPN):c.3494-181A>G

Gene: MYPN (myopalladin; plus strand). Cytogenetic location: 10q21.3.
Variant type: single nucleotide variant.
Coding change: c.3494-181A>G on transcript NM_032578.4 (MANE Select); 181 bases into the intron before coding-DNA position 3494, A replaced by G.
Molecular consequence: intron variant.
Genome position (GRCh38, 1-based): chr10:68,201,648, A>G. VCF-style: chr10-68201648-A-G. GRCh37 (hg19) VCF-style: chr10-69961405-A-G.
Other names: c.3494-181A>G (NM_001256267.2); c.2612-181A>G (NM_001256268.2).
Identifiers: ClinVar variation 672875 (VCV000672875.1), dbSNP rs2490936, ClinGen allele CA208227790.

ClinVar aggregate classification (germline): Benign (1 of 4 stars; one submission).

Allele frequency attached by ClinVar (database versions not stated): 1000 Genomes Project 30x 0.99984; gnomAD 0.99994 and 0.99995; TOPMed 0.99998; 1000 Genomes Project 1.00000.
gnomAD v4.1: 151,922 of 151,930 alleles (100%); highest among the groups gnomAD compares: Middle Eastern, 100%; 75,957 homozygotes.

Submission:

GeneDx
Classification: Benign. Last evaluated: 2018-06-14. Review status: criteria provided, single submitter. Criteria: GeneDx Variant Classification (06012015). Collection method: clinical testing. Allele origin: germline. Affected: yes.
Comment: This variant is considered likely benign or benign based on one or more of the following criteria: it is a conservative change, it occurs at a poorly conserved position in the protein, it is predicted to be benign by multiple in silico algorithms, and/or has population frequency not consistent with disease.